The following is an entry in ClinVar:

NM_001048174.2(MUTYH):c.864G>T (p.Gln288His)

Gene: MUTYH (mutY DNA glycosylase; minus strand). Cytogenetic location: 1p34.1.
Variant type: single nucleotide variant.
Coding change: c.864G>T on transcript NM_001048174.2 (MANE Select); coding-DNA position 864, G replaced by T.
Protein change: p.Gln288His; replaces glutamine 288 with histidine.
Molecular consequence: missense variant. On other transcripts: non-coding transcript variant (7).
Genome position (GRCh38, 1-based): chr1:45,332,072, C>A on the plus strand (G>T on the coding strand, the complement: MUTYH is on the minus strand). VCF-style: chr1-45332072-C-A. GRCh37 (hg19) VCF-style: chr1-45797744-C-A.
Other names: c.864G>T, p.Gln288His (NM_001048171.2, NM_001407070.1, NM_001407072.1 and 6 more transcripts); c.867G>T, p.Gln289His (NM_001048172.2, NM_001407071.1, NM_001407078.1 and 1 more transcripts); c.519G>T, p.Gln173His (NM_001350651.2, NM_001350650.2, NM_001407082.1); c.897G>T, p.Gln299His (NM_001407069.1, NM_001407077.1, NM_001293191.2); c.780G>T, p.Gln260His (NM_001407075.1); c.588G>T, p.Gln196His (NM_001407091.1, NM_001293192.2, NM_001293196.2); c.939G>T, p.Gln313His (NM_012222.3); c.948G>T, p.Gln316His (NM_001128425.2); and 5 more; short protein forms Q196H, Q288H, Q303H, Q313H, Q173H, Q274H, Q289H, Q299H.
Identifiers: ClinVar variation 4113939 (VCV004113939.1).

ClinVar aggregate classification (germline): Uncertain significance (1 of 4 stars; one submission).

Conditions:
Hereditary cancer-predisposing syndrome. Also called: Hereditary neoplastic syndrome; Neoplastic Syndromes, Hereditary; Tumor predisposition; Hereditary Cancer Syndrome. Identifiers: Orphanet 140162, MedGen C0027672, MeSH D009386, MONDO:0015356.

Submission:

Ambry Genetics
Classification: Uncertain significance for Hereditary cancer-predisposing syndrome. Last evaluated: 2025-08-27. Review status: criteria provided, single submitter. Criteria: Ambry Variant Classification Scheme 2023. Collection method: clinical testing. Allele origin: germline.
Comment: The p.Q316H variant (also known as c.948G>T), located in coding exon 11 of the MUTYH gene, results from a G to T substitution at nucleotide position 948. The glutamine at codon 316 is replaced by histidine, an amino acid with highly similar properties. This amino acid position is conserved. In addition, this alteration is predicted to be tolerated by in silico analysis. Based on the available evidence, the clinical significance of this variant remains unclear.